The following is an entry in ClinVar:

ClinVar aggregate classification (germline): Benign/Likely benign. Review status: criteria provided, multiple submitters, no conflicts (2 of 4 stars). 9 submissions from 9 submitters: Benign (8); Likely benign (1). Last evaluated 2026-03-27.

Conditions:
Fetal akinesia deformation sequence 1 (FADS1). Also called: Pena-Shokeir syndrome type I; Fetal akinesia sequence. Identifiers: Orphanet 994, MedGen C1276035, MONDO:0100101, OMIM 208150, HP:0001989.
Congenital myasthenic syndrome 10. Also called: Myasthenia, limb-girdle, familial. Identifiers: Orphanet 590, MedGen C1850792, MONDO:0009690, OMIM 254300.

Allele frequency attached by ClinVar (database versions not stated): gnomAD exomes 0.05330; ExAC 0.05890; gnomAD 0.06235 and 0.06297; ESP Exome Variant Server 0.06337; TOPMed 0.06886; 1000 Genomes Project 0.08127; 1000 Genomes Project 30x 0.08542.

Submissions (9):

Women's Health and Genetics/Laboratory Corporation of America, LabCorp
Classification: Likely benign. Last evaluated: 2026-03-27. Review status: criteria provided, single submitter. Criteria: LabCorp Variant Classification Summary - May 2015. Collection method: clinical testing. Allele origin: germline.

Labcorp Genetics (formerly Invitae), Labcorp
Classification: Benign for Congenital myasthenic syndrome 10; Fetal akinesia deformation sequence 1. Last evaluated: 2026-02-04. Review status: criteria provided, single submitter. Criteria: Invitae Variant Classification Sherloc (09022015). Collection method: clinical testing. Allele origin: germline.

Blueprint Genetics
Classification: Benign. Last evaluated: 2024-11-26. Review status: criteria provided, single submitter. Criteria: ACMG Guidelines, 2015. Collection method: clinical testing. Allele origin: germline.

Mayo Clinic Laboratories, Mayo Clinic
Classification: Benign. Last evaluated: 2017-07-24. Review status: criteria provided, single submitter. Criteria: ACMG Guidelines, 2015. Collection method: clinical testing. Allele origin: germline. Observed: 39 variant alleles.

GeneDx
Classification: Benign. Last evaluated: 2016-07-08. Review status: criteria provided, single submitter. Criteria: GeneDx Variant Classification (06012015). Collection method: clinical testing. Allele origin: germline. Affected: yes.
Comment: This variant is considered likely benign or benign based on one or more of the following criteria: it is a conservative change, it occurs at a poorly conserved position in the protein, it is predicted to be benign by multiple in silico algorithms, and/or has population frequency not consistent with disease.

PreventionGenetics, part of Exact Sciences
Classification: Benign. Last evaluated: 2016-02-15. Review status: criteria provided, single submitter. Criteria: ACMG Guidelines, 2015. Collection method: clinical testing. Allele origin: germline.

Eurofins Ntd Llc (ga)
Classification: Benign. Last evaluated: 2014-12-11. Review status: criteria provided, single submitter. Criteria: EGL Classification Definitions 2015. Collection method: clinical testing. Allele origin: germline. Observed: 2 variant alleles, 2 heterozygotes.

Genetic Services Laboratory, University of Chicago
Classification: Benign for AllHighlyPenetrant. Last evaluated: 2013-08-15. Review status: criteria provided, single submitter. Criteria: ACMG Guidelines, 2007. Collection method: clinical testing. Allele origin: germline. Inheritance: Autosomal recessive inheritance.

Breakthrough Genomics
Classification: Benign. Review status: criteria provided, single submitter. Criteria: ACMG Guidelines, 2015. Collection method: not provided. Allele origin: germline. Inheritance: Autosomal recessive inheritance. Affected: yes.

NM_173660.5(DOK7):c.1243C>T (p.Pro415Ser)

Gene: DOK7 (docking protein 7; plus strand). Cytogenetic location: 4p16.3.
Variant type: single nucleotide variant.
Coding change: c.1243C>T on transcript NM_173660.5 (MANE Select); coding-DNA position 1243, C replaced by T.
Protein change: p.Pro415Ser; replaces proline 415 with serine.
Molecular consequence: missense variant. On other transcripts: 3 prime UTR variant (1).
Genome position (GRCh38, 1-based): chr4:3,493,229, C>T. VCF-style: chr4-3493229-C-T. GRCh37 (hg19) VCF-style: chr4-3494956-C-T.
Other names: c.*464C>T (NM_001164673.2); c.313C>T, p.Pro105Ser (NM_001256896.2); c.1243C>T, p.Pro415Ser (NM_001301071.2); c.811C>T, p.Pro271Ser (NM_001363811.2); short protein forms P415S, P105S, P271S.
Identifiers: ClinVar variation 128908 (VCV000128908.23), dbSNP rs16844464, ClinGen allele CA152595.